The following is an entry in ClinVar:

NM_020686.6(ABAT):c.64_66del (p.Val22del)

Gene: ABAT (4-aminobutyrate aminotransferase; plus strand). Cytogenetic location: 16p13.2.
Variant type: Deletion.
Coding change: c.64_66del on transcript NM_020686.6 (MANE Select); coding-DNA positions 64 to 66, 3 bases deleted (GTG; older notation c.64_66delGTG).
Protein change: p.Val22del; deletes valine 22.
Molecular consequence: inframe deletion. On other transcripts: intron variant (3).
Genome position (GRCh38, 1-based): chr16:8,735,803-8,735,805, GTG deleted; deleting any 3 consecutive bases within chr16:8,735,801-8,735,805 gives the same sequence; the c. name uses the placement nearest the transcript's 3' end. VCF-style (leftmost placement, unchanged base first): chr16-8735800-CTGG-C. GRCh37 (hg19) VCF-style: chr16-8829657-CTGG-C.
Other names: c.-65-10198_-65-10196del (NM_001386611.1, NM_001386612.1, NM_001386613.1); c.64_66del (NM_020686.5); c.64_66del, p.Val22del (NM_000663.5, NM_001127448.2, NM_001386600.1 and 13 more transcripts); short protein forms V22del.
Identifiers: ClinVar variation 662161 (VCV000662161.8), dbSNP rs1412155029, ClinGen allele CA620740145.

ClinVar aggregate classification (germline): Uncertain significance (1 of 4 stars; one submission).

Conditions:
Gamma-aminobutyric acid transaminase deficiency (GABATD). Also called: GABA transaminase deficiency; Gamma aminobutyrate transaminase deficiency; 4 alpha aminobutyrate transaminase deficiency; GABA aminotransaminase deficiency. Identifiers: Orphanet 2066, MedGen C0342708, MONDO:0013166, OMIM 613163.

Submission:

Labcorp Genetics (formerly Invitae), Labcorp
Classification: Uncertain significance for Gamma-aminobutyric acid transaminase deficiency. Last evaluated: 2021-08-20. Review status: criteria provided, single submitter. Criteria: Invitae Variant Classification Sherloc (09022015). Collection method: clinical testing. Allele origin: germline.
Comment: This variant, c.64_66del, results in the deletion of 1 amino acid(s) of the ABAT protein (p.Val22del), but otherwise preserves the integrity of the reading frame. This variant is not present in population databases (ExAC no frequency). This variant has not been reported in the literature in individuals affected with ABAT-related conditions. Experimental studies and prediction algorithms are not available or were not evaluated, and the functional significance of this variant is currently unknown. In summary, the available evidence is currently insufficient to determine the role of this variant in disease. Therefore, it has been classified as a Variant of Uncertain Significance.